The following is an entry in ClinVar:

NM_000213.5(ITGB4):c.3240C>T (p.His1080=)

Gene: ITGB4 (integrin subunit beta 4; plus strand). Cytogenetic location: 17q25.1.
Variant type: single nucleotide variant.
Coding change: c.3240C>T on transcript NM_000213.5 (MANE Select); coding-DNA position 3240, C replaced by T.
Protein change: p.His1080=; no amino-acid change (histidine 1080 retained).
Molecular consequence: synonymous variant.
Genome position (GRCh38, 1-based): chr17:75,748,969, C>T. VCF-style: chr17-75748969-C-T. GRCh37 (hg19) VCF-style: chr17-73745050-C-T.
Other names: c.3240C>T, p.His1080= (NM_001005619.2, NM_001005731.3, NM_001321123.2).
Identifiers: ClinVar variation 2648281 (VCV002648281.28), dbSNP rs368408505, ClinGen allele CA8769746.

ClinVar aggregate classification (germline): Likely benign. Review status: criteria provided, multiple submitters, no conflicts (2 of 4 stars). 3 submissions from 3 submitters: Likely benign (3). Last evaluated 2025-07-20.

Allele frequency attached by ClinVar (database versions not stated): gnomAD 0.00004; TOPMed 0.00004; ESP Exome Variant Server 0.00008; 1000 Genomes Project 0.00020; 1000 Genomes Project 30x 0.00031.
gnomAD v4.1: 111 of 1,613,482 alleles (0.0069%); highest among the groups gnomAD compares: Admixed American, 0.017%; 1 homozygote.

Submissions (3):

Labcorp Genetics (formerly Invitae), Labcorp
Classification: Likely benign. Last evaluated: 2025-07-20. Review status: criteria provided, single submitter. Criteria: Invitae Variant Classification Sherloc (09022015). Collection method: clinical testing. Allele origin: germline.

Blueprint Genetics
Classification: Likely benign. Last evaluated: 2024-11-23. Review status: criteria provided, single submitter. Criteria: ACMG Guidelines, 2015. Collection method: clinical testing. Allele origin: germline.

CeGaT Center for Human Genetics Tuebingen
Classification: Likely benign. Last evaluated: 2022-08-01. Review status: criteria provided, single submitter. Criteria: CeGaT Center For Human Genetics Tuebingen Variant Classification Criteria Version 2. Collection method: clinical testing. Allele origin: germline. Affected: yes. Observed: 1 variant allele.
Comment: ITGB4: BP4, BP7